The following is an entry in ClinVar:

NM_138615.3(DHX30):c.3407G>A (p.Arg1136Gln)

Gene: DHX30 (DExH-box helicase 30; plus strand). Cytogenetic location: 3p21.31.
Variant type: single nucleotide variant.
Coding change: c.3407G>A on transcript NM_138615.3 (MANE Select); coding-DNA position 3407, G replaced by A.
Protein change: p.Arg1136Gln; replaces arginine 1136 with glutamine.
Molecular consequence: missense variant.
Genome position (GRCh38, 1-based): chr3:47,849,942, G>A. VCF-style: chr3-47849942-G-A. GRCh37 (hg19) VCF-style: chr3-47891432-G-A.
Other names: c.3323G>A, p.Arg1108Gln (NM_001330990.2); c.3290G>A, p.Arg1097Gln (NM_014966.4); short protein forms R1097Q, R1108Q, R1136Q.
Identifiers: ClinVar variation 1878607 (VCV001878607.1), dbSNP rs372523783, ClinGen allele CA2370402.

ClinVar aggregate classification (germline): Uncertain significance (1 of 4 stars; one submission).

Conditions:
Neurodevelopmental disorder with severe motor impairment and absent language. Also called: NEURODEVELOPMENTAL DISORDER WITH VARIABLE MOTOR AND LANGUAGE IMPAIRMENT. Identifiers: Orphanet 647788, MedGen C4540496, MONDO:0060622, OMIM 617804.

Allele frequency attached by ClinVar (database versions not stated): TOPMed 0.00001; gnomAD 0.00004; ExAC 0.00010; ESP Exome Variant Server 0.00015.
gnomAD v4.1: 116 of 1,613,082 alleles (0.0072%); highest among the groups gnomAD compares: South Asian, 0.064%; no homozygotes.

Submission:

Neuberg Centre For Genomic Medicine, NCGM
Classification: Uncertain significance for Neurodevelopmental disorder with severe motor impairment and absent language. Review status: criteria provided, single submitter. Criteria: ACMG Guidelines, 2015. Collection method: clinical testing. Allele origin: germline. Affected: yes.
Comment: The missense variant c.3407G>A (p.Arg1136Gln) in DHX30 gene has not been reported previously as a pathogenic variant nor as a benign variant, to our knowledge. The p.Arg1136Gln variant is reported with the allele frequency (0.009%) in the gnomAD Exomes and is novel (not in any individuals) in 1000 Genomes. The amino acid Arg at position 1136 is changed to a Gln changing protein sequence and it might alter its composition and physico-chemical properties. In silico tools predict the variant to be tolerated. The residue is conserved across species. The amino acid change p.Arg1136Gln in DHX30 is predicted as conserved by GERP++ and PhyloP across 100 vertebrates. For these reasons, this variant has been classified as Variant of Uncertain Significance (VUS).